The following is an entry in ClinVar:

NM_006206.6(PDGFRA):c.234C>A (p.Ser78Arg)

Gene: PDGFRA (platelet derived growth factor receptor alpha; plus strand). Cytogenetic location: 4q12.
Variant type: single nucleotide variant.
Coding change: c.234C>A on transcript NM_006206.6 (MANE Select); coding-DNA position 234, C replaced by A.
Protein change: p.Ser78Arg; replaces serine 78 with arginine.
Molecular consequence: missense variant.
Genome position (GRCh38, 1-based): chr4:54,261,279, C>A. VCF-style: chr4-54261279-C-A. GRCh37 (hg19) VCF-style: chr4-55127446-C-A.
Other names: c.234C>A, p.Ser78Arg (NM_001347827.2, NM_001347829.2); c.309C>A, p.Ser103Arg (NM_001347828.2); c.273C>A, p.Ser91Arg (NM_001347830.2); short protein forms S103R, S91R, S78R.
Identifiers: ClinVar variation 1789971 (VCV001789971.2), dbSNP rs770382623, ClinGen allele CA356888588.

ClinVar aggregate classification (germline): Uncertain significance (1 of 4 stars; one submission).

Conditions:
Hereditary cancer-predisposing syndrome. Also called: Hereditary Cancer Syndrome; Hereditary neoplastic syndrome; Tumor predisposition; Neoplastic Syndromes, Hereditary. Identifiers: Orphanet 140162, MedGen C0027672, MeSH D009386, MONDO:0015356.

gnomAD v4.1: 1 of 1,614,114 alleles (0.000062%); highest among the groups gnomAD compares: Non-Finnish European, 0.000085%; no homozygotes.

Submission:

Ambry Genetics
Classification: Uncertain significance for Hereditary cancer-predisposing syndrome. Last evaluated: 2023-10-27. Review status: criteria provided, single submitter. Criteria: Ambry Variant Classification Scheme 2023. Collection method: clinical testing. Allele origin: germline.
Comment: The p.S78R variant (also known as c.234C>A), located in coding exon 2 of the PDGFRA gene, results from a C to A substitution at nucleotide position 234. The serine at codon 78 is replaced by arginine, an amino acid with dissimilar properties. This amino acid position is conserved. In addition, this alteration is predicted to be tolerated by in silico analysis. Since supporting evidence is limited at this time, the clinical significance of this alteration remains unclear.